The following is an entry in ClinVar:

NM_004525.3(LRP2):c.9931T>C (p.Cys3311Arg)

Gene: LRP2 (LDL receptor related protein 2; minus strand). Cytogenetic location: 2q31.1.
Variant type: single nucleotide variant.
Coding change: c.9931T>C on transcript NM_004525.3 (MANE Select); coding-DNA position 9931, T replaced by C.
Protein change: p.Cys3311Arg; replaces cysteine 3311 with arginine.
Molecular consequence: missense variant.
Genome position (GRCh38, 1-based): chr2:169,182,234, A>G on the plus strand (T>C on the coding strand, the complement: LRP2 is on the minus strand). VCF-style: chr2-169182234-A-G. GRCh37 (hg19) VCF-style: chr2-170038744-A-G.
Other names: short protein forms C3311R.
Identifiers: ClinVar variation 1062919 (VCV001062919.9), dbSNP rs2105295973, ClinGen allele CA349151904.
Genomic context (GRCh38, chr2:169,182,234, plus strand): 5'-GAGGGTGAAGGGCAAGTCCTCTGGGATTATCAAAGCAGAAGGTGTTGTTGGCATCCACAC[A>G]GTGCTGGGCCAGCATGCGGCGGTGTCCACCATTGAGGTCAGAGACAAAGAGGCCATCCAG-3'
Protein context (NP_004516.2, residues 3301-3321): GGHRRMLAQH[Cys3311Arg]VDANNTFCFD

ClinVar aggregate classification (germline): Uncertain significance. Review status: criteria provided, multiple submitters, no conflicts (2 of 4 stars). 2 submissions from 2 submitters: Uncertain significance (2). Last evaluated 2025-01-13.

Conditions:
Donnai-Barrow syndrome. Also called: DBS/FOAR SYNDROME; FACIOOCULOACOUSTICORENAL SYNDROME. Identifiers: Orphanet 2143, MedGen C1857277, MONDO:0009104, OMIM 222448.

Submissions (2):

Labcorp Genetics (formerly Invitae), Labcorp
Classification: Uncertain significance. Last evaluated: 2025-01-13. Review status: criteria provided, single submitter. Criteria: Invitae Variant Classification Sherloc (09022015). Collection method: clinical testing. Allele origin: germline.
Comment: This sequence change replaces cysteine, which is neutral and slightly polar, with arginine, which is basic and polar, at codon 3311 of the LRP2 protein (p.Cys3311Arg). This variant is not present in population databases (gnomAD no frequency). This variant has not been reported in the literature in individuals affected with LRP2-related conditions. ClinVar contains an entry for this variant (Variation ID: 1062919). Invitae Evidence Modeling of protein sequence and biophysical properties (such as structural, functional, and spatial information, amino acid conservation, physicochemical variation, residue mobility, and thermodynamic stability) indicates that this missense variant is expected to disrupt LRP2 protein function with a positive predictive value of 95%. In summary, the available evidence is currently insufficient to determine the role of this variant in disease. Therefore, it has been classified as a Variant of Uncertain Significance.

Fulgent Genetics
Classification: Uncertain significance for Donnai-Barrow syndrome. Last evaluated: 2022-01-18. Review status: criteria provided, single submitter. Criteria: ACMG Guidelines, 2015. Collection method: clinical testing. Allele origin: unknown.